The following is an entry in ClinVar:

NM_000535.7(PMS2):c.32C>T (p.Pro11Leu)

Gene: PMS2 (PMS1 homolog 2, mismatch repair system component; minus strand). Cytogenetic location: 7p22.1.
Variant type: single nucleotide variant.
Coding change: c.32C>T on transcript NM_000535.7 (MANE Select); coding-DNA position 32, C replaced by T.
Protein change: p.Pro11Leu; replaces proline 11 with leucine.
Molecular consequence: missense variant. On other transcripts: 5 prime UTR variant (8), non-coding transcript variant (1), intron variant (3).
Genome position (GRCh38, 1-based): chr7:6,006,023, G>A on the plus strand (C>T on the coding strand, the complement: PMS2 is on the minus strand). VCF-style: chr7-6006023-G-A. GRCh37 (hg19) VCF-style: chr7-6045654-G-A.
Other names: c.-374C>T (NM_001322003.2, NM_001322005.2, NM_001322009.2 and 1 more transcripts); c.32C>T, p.Pro11Leu (NM_001322006.2, NM_001322014.2); c.-184C>T (NM_001322007.2); c.-853C>T (NM_001322011.2, NM_001322012.2); c.-453C>T (NM_001322015.2); c.-52-1965C>T (NM_001322008.2); c.-242-1965C>T (NM_001322010.2, NM_001322004.2); short protein forms P11L.
Identifiers: ClinVar variation 633363 (VCV000633363.4), dbSNP rs1291217267, ClinGen allele CA366745188.

ClinVar aggregate classification (germline): Conflicting classifications of pathogenicity. Review status: criteria provided, conflicting classifications (1 of 4 stars). 3 submissions from 3 submitters: Uncertain significance (2); Likely benign (1). Last evaluated 2026-08-31.

Conditions:
Hereditary nonpolyposis colorectal neoplasms. Identifiers: MedGen C0009405, MeSH D003123.
Hereditary cancer-predisposing syndrome. Also called: Neoplastic Syndromes, Hereditary; Hereditary Cancer Syndrome; Hereditary neoplastic syndrome; Tumor predisposition. Identifiers: Orphanet 140162, MedGen C0027672, MeSH D009386, MONDO:0015356.

Allele frequency attached by ClinVar (database versions not stated): gnomAD exomes below 0.00001.
gnomAD v4.1: 1 of 1,610,650 alleles (0.000062%); highest among the groups gnomAD compares: Non-Finnish European, 0.000085%; no homozygotes.

Submissions (3):

Ambry Genetics
Classification: Likely benign for Hereditary cancer-predisposing syndrome. Last evaluated: 2026-08-31. Review status: criteria provided, single submitter. Criteria: Ambry Variant Classification Scheme 2023. Collection method: clinical testing. Allele origin: germline.

Labcorp Genetics (formerly Invitae), Labcorp
Classification: Uncertain significance for Hereditary nonpolyposis colorectal neoplasms. Last evaluated: 2025-06-27. Review status: criteria provided, single submitter. Criteria: Invitae Variant Classification Sherloc (09022015). Collection method: clinical testing. Allele origin: germline.
Comment: This sequence change replaces proline, which is neutral and non-polar, with leucine, which is neutral and non-polar, at codon 11 of the PMS2 protein (p.Pro11Leu). This variant is present in population databases (no rsID available, gnomAD 0.0009%). This variant has not been reported in the literature in individuals affected with PMS2-related conditions. ClinVar contains an entry for this variant (Variation ID: 633363). Invitae Evidence Modeling incorporating data from in vitro experimental studies (internal data) indicates that this missense variant is not expected to disrupt PMS2 function with a negative predictive value of 95%. In summary, the available evidence is currently insufficient to determine the role of this variant in disease. Therefore, it has been classified as a Variant of Uncertain Significance.

Women's Health and Genetics/Laboratory Corporation of America, LabCorp
Classification: Uncertain significance. Last evaluated: 2018-02-16. Review status: criteria provided, single submitter. Criteria: LabCorp Variant Classification Summary - May 2015. Collection method: clinical testing. Allele origin: germline.
Comment: Variant summary: PMS2 c.32C>T (p.Pro11Leu) results in a non-conservative amino acid change in the encoded protein sequence. Four of five in-silico tools predict a benign effect of the variant on protein function. The variant was absent in 114816 control chromosomes. The available data on variant occurrences in the general population are insufficient to allow any conclusion about variant significance. To our knowledge, no occurrence of c.32C>T in individuals affected with Lynch Syndrome and no experimental evidence demonstrating its impact on protein function have been reported. No clinical diagnostic laboratories have submitted clinical-significance assessments for this variant to ClinVar after 2014. Based on the evidence outlined above, the variant was classified as uncertain significance.